The following is an entry in ClinVar:

NM_020639.3(RIPK4):c.832+2T>C

Gene: RIPK4 (receptor interacting serine/threonine kinase 4; minus strand). Cytogenetic location: 21q22.3.
Variant type: single nucleotide variant.
Coding change: c.832+2T>C on transcript NM_020639.3 (MANE Select); the canonical splice donor site of the intron after coding-DNA position 832, T replaced by C.
Molecular consequence: splice donor variant.
Genome position (GRCh38, 1-based): chr21:41,746,611, A>G on the plus strand (T>C on the coding strand, the complement: RIPK4 is on the minus strand). VCF-style: chr21-41746611-A-G. GRCh37 (hg19) VCF-style: chr21-43166771-A-G.
Other names: NC_000021.8:g.43166771A>G.
Identifiers: ClinVar variation 716721 (VCV000716721.18), dbSNP rs146341788, ClinGen allele CA10035601.

ClinVar aggregate classification (germline): Conflicting classifications of pathogenicity. Review status: criteria provided, conflicting classifications (1 of 4 stars). 5 submissions from 5 submitters: Uncertain significance (3); Benign (1); Likely benign (1). Last evaluated 2025-01-21.

Conditions:
Bartsocas-Papas syndrome 1. Also called: MULTIPLE PTERYGIUM SYNDROME, ASLAN TYPE; PTERYGIUM, POPLITEAL, LETHAL TYPE; Bartsocas-Papas syndrome. Identifiers: Orphanet 1234, MedGen C1849718, MONDO:0009901, OMIM 263650.

Allele frequency attached by ClinVar (database versions not stated): ESP Exome Variant Server 0.00092; ExAC 0.00096; gnomAD exomes 0.00097; TOPMed 0.00105; gnomAD 0.00127 and 0.00129.
gnomAD v4.1: 1,801 of 1,608,230 alleles (0.11%); highest among the groups gnomAD compares: Non-Finnish European, 0.13%; 4 homozygotes.

Submissions (10):

GeneDx
Classification: Uncertain significance. Last evaluated: 2025-01-21. Review status: criteria provided, single submitter. Criteria: GeneDx Variant Classification Process June 2021. Collection method: clinical testing. Allele origin: germline. Affected: yes.
Comment: Has not been previously published as pathogenic or benign to our knowledge; Canonical splice site variant predicted to result in an in-frame loss of the adjacent exon in a gene for which loss of function is a known mechanism of disease

Blueprint Genetics
Classification: Likely benign. Last evaluated: 2024-11-28. Review status: criteria provided, single submitter. Criteria: ACMG Guidelines, 2015. Collection method: clinical testing. Allele origin: germline.

Department of Pathology and Laboratory Medicine, Sinai Health System
Classification: Uncertain significance for Bartsocas-Papas syndrome 1. Last evaluated: 2023-05-01. Review status: criteria provided, single submitter. Criteria: ACMG Guidelines, 2015. Collection method: research. Allele origin: germline.

Labcorp Genetics (formerly Invitae), Labcorp
Classification: Benign. Last evaluated: 2019-12-31. Review status: criteria provided, single submitter. Criteria: Invitae Variant Classification Sherloc (09022015). Collection method: clinical testing. Allele origin: germline.

Illumina Laboratory Services, Illumina
Classification: Uncertain significance for Bartsocas-Papas syndrome 1. Last evaluated: 2018-12-24. Review status: criteria provided, single submitter. Criteria: ICSL Variant Classification Criteria 13 December 2019. Collection method: clinical testing. Allele origin: germline.

Dr. Peter K. Rogan Lab, Western University
No classification provided (evidence only). Condition: Malignant tumor of urinary bladder. Review status: no classification provided. Collection method: in vitro. Allele origin: not applicable. Functional consequence: skipped exon, retained intron. Not counted in ClinVar's aggregate classification.

Dr. Peter K. Rogan Lab, Western University
No classification provided (evidence only). Condition: Cervical cancer. Review status: no classification provided. Collection method: in vitro. Allele origin: not applicable. Functional consequence: retained intron. Not counted in ClinVar's aggregate classification.

Dr. Peter K. Rogan Lab, Western University
No classification provided (evidence only). Condition: Hepatocellular carcinoma. Review status: no classification provided. Collection method: in vitro. Allele origin: not applicable. Functional consequence: retained intron. Not counted in ClinVar's aggregate classification.

Dr. Peter K. Rogan Lab, Western University
No classification provided (evidence only). Condition: Hepatocellular carcinoma. Review status: no classification provided. Collection method: in vitro. Allele origin: not applicable. Functional consequence: skipped exon, retained intron. Not counted in ClinVar's aggregate classification.

Dr. Peter K. Rogan Lab, Western University
No classification provided (evidence only). Condition: Gastric cancer. Review status: no classification provided. Collection method: in vitro. Allele origin: not applicable. Functional consequence: retained intron. Not counted in ClinVar's aggregate classification.